The following is an entry in ClinVar:

ClinVar aggregate classification (germline): Benign/Likely benign. Review status: criteria provided, multiple submitters, no conflicts (2 of 4 stars). 12 submissions from 12 submitters: Benign (4); Likely benign (5). 3 of the submissions do not count toward it. Last evaluated 2026-02-03.

Conditions:
Inborn genetic diseases. Identifiers: MedGen C0950123, MeSH D030342.
Late-infantile neuronal ceroid lipofuscinosis. Also called: Jansky-Bielschowsky disease. Identifiers: MedGen C0022340, MONDO:0015674.
Neuronal ceroid lipofuscinosis 7 (CLN7). Also called: MFSD8-Related Neuronal Ceroid-Lipofuscinosis. Identifiers: Orphanet 168491, Orphanet 228366, MedGen C1838571, MONDO:0012588, OMIM 610951.

Allele frequency attached by ClinVar (database versions not stated): gnomAD exomes 0.00029 and 0.00074; ExAC 0.00079; gnomAD 0.00281 and 0.00302; ESP Exome Variant Server 0.00308; 1000 Genomes Project 30x 0.00312; 1000 Genomes Project 0.00319; TOPMed 0.00334.
gnomAD v4.1: 873 of 1,614,116 alleles (0.054%); highest among the groups gnomAD compares: African/African-American, 1%; 7 homozygotes.

Submissions (12):

Labcorp Genetics (formerly Invitae), Labcorp
Classification: Benign for Neuronal ceroid lipofuscinosis 7. Last evaluated: 2026-02-03. Review status: criteria provided, single submitter. Criteria: Invitae Variant Classification Sherloc (09022015). Collection method: clinical testing. Allele origin: germline.

Blueprint Genetics
Classification: Likely benign. Last evaluated: 2024-11-26. Review status: criteria provided, single submitter. Criteria: ACMG Guidelines, 2015. Collection method: clinical testing. Allele origin: germline.

CeGaT Center for Human Genetics Tuebingen
Classification: Likely benign. Last evaluated: 2023-11-01. Review status: criteria provided, single submitter. Criteria: CeGaT Center For Human Genetics Tuebingen Variant Classification Criteria Version 2. Collection method: clinical testing. Allele origin: germline. Affected: yes. Observed: 1 variant allele.
Comment: MFSD8: BP4, BP7, BS2

Illumina Laboratory Services, Illumina
Classification: Likely benign for Neuronal ceroid lipofuscinosis 7. Last evaluated: 2018-01-12. Review status: criteria provided, single submitter. Criteria: ICSL Variant Classification Criteria 13 December 2019. Collection method: clinical testing. Allele origin: germline.
Comment: This variant was observed in the ICSL laboratory as part of a predisposition screen in an ostensibly healthy population. It had not been previously curated by ICSL or reported in the Human Gene Mutation Database (HGMD: prior to June 1st, 2018), and was therefore a candidate for classification through an automated scoring system. Utilizing variant allele frequency, disease prevalence and penetrance estimates, and inheritance mode, an automated score was calculated to assess if this variant is too frequent to cause the disease. Based on the score and internal cut-off values, a variant classified as likely benign is not then subjected to further curation. The score for this variant resulted in a classification of likely benign for this disease.

Ambry Genetics
Classification: Likely benign for Inborn genetic diseases. Last evaluated: 2017-02-21. Review status: criteria provided, single submitter. Criteria: Ambry Variant Classification Scheme 2023. Collection method: clinical testing. Allele origin: germline.

Athena Diagnostics
Classification: Benign. Last evaluated: 2016-09-15. Review status: criteria provided, single submitter. Criteria: Athena Diagnostics Criteria. Collection method: clinical testing. Allele origin: germline.

Eurofins Ntd Llc (ga)
Classification: Benign. Last evaluated: 2014-11-13. Review status: criteria provided, single submitter. Criteria: EGL Classification Definitions 2015. Collection method: clinical testing. Allele origin: germline. Observed: 1 variant allele, 1 heterozygote.

GeneDx
Classification: Benign. Last evaluated: 2013-02-19. Review status: criteria provided, single submitter. Criteria: GeneDx Variant Classification (06012015). Collection method: clinical testing. Allele origin: germline. Affected: yes.
Comment: This variant is considered likely benign or benign based on one or more of the following criteria: it is a conservative change, it occurs at a poorly conserved position in the protein, it is predicted to be benign by multiple in silico algorithms, and/or has population frequency not consistent with disease.

Breakthrough Genomics
Classification: Likely benign. Review status: criteria provided, single submitter. Criteria: ACMG Guidelines, 2015. Collection method: not provided. Allele origin: germline. Inheritance: Autosomal recessive inheritance. Affected: yes.

Natera, Inc.
Classification: Benign for Late-infantile neuronal ceroid lipofuscinosis. Last evaluated: 2019-12-18. Review status: no assertion criteria provided. Collection method: clinical testing. Allele origin: germline. Not counted in ClinVar's aggregate classification.

Clinical Genetics DNA and cytogenetics Diagnostics Lab, Erasmus MC, Erasmus Medical Center
Classification: Benign. Review status: no assertion criteria provided. Collection method: clinical testing. Allele origin: germline. Affected: yes. Study: VKGL Data-share Consensus. Not counted in ClinVar's aggregate classification.

Genome Diagnostics Laboratory, University Medical Center Utrecht
Classification: Benign. Review status: no assertion criteria provided. Collection method: clinical testing. Allele origin: germline. Affected: yes. Study: VKGL Data-share Consensus. Not counted in ClinVar's aggregate classification.

NM_001371596.2(MFSD8):c.1041A>G (p.Val347=)

Gene: MFSD8 (major facilitator superfamily domain containing 8; minus strand). Cytogenetic location: 4q28.2.
Variant type: single nucleotide variant.
Coding change: c.1041A>G on transcript NM_001371596.2 (MANE Select); coding-DNA position 1041, A replaced by G.
Protein change: p.Val347=; no amino-acid change (valine 347 retained).
Molecular consequence: synonymous variant. On other transcripts: intron variant (1).
Genome position (GRCh38, 1-based): chr4:127,921,921, T>C on the plus strand (A>G on the coding strand, the complement: MFSD8 is on the minus strand). VCF-style: chr4-127921921-T-C. GRCh37 (hg19) VCF-style: chr4-128843076-T-C.
Other names: p.V347V:GTA>GTG; c.840A>G, p.Val280= (NM_001363520.3); c.726A>G, p.Val242= (NM_001363521.3); c.906A>G, p.Val302= (NM_001371590.2); c.1041A>G, p.Val347= (NM_001371591.2, NM_152778.4); c.1047A>G, p.Val349= (NM_001371592.2); c.927A>G, p.Val309= (NM_001371593.2); c.894A>G, p.Val298= (NM_001371594.2); and 3 more.
Identifiers: ClinVar variation 138223 (VCV000138223.49), dbSNP rs148291156, ClinGen allele CA200865.